The following is an entry in ClinVar:

NM_002769.5(PRSS1):c.551T>C (p.Phe184Ser)

Genes: TRB (T cell receptor beta locus; plus strand), PRSS1 (serine protease 1; plus strand). Cytogenetic location: 7q34.
Variant type: single nucleotide variant.
Coding change: c.551T>C on transcript NM_002769.5 (MANE Select); coding-DNA position 551, T replaced by C.
Protein change: p.Phe184Ser; replaces phenylalanine 184 with serine.
Molecular consequence: missense variant. On other transcripts: non-coding transcript variant (5).
Genome position (GRCh38, 1-based): chr7:142,752,527, T>C. VCF-style: chr7-142752527-T-C. GRCh37 (hg19) VCF-style: chr7-142460378-T-C.
Other names: short protein forms F184S.
Identifiers: ClinVar variation 2714471 (VCV002714471.3), dbSNP rs11553848, ClinGen allele CA168151269.

ClinVar aggregate classification (germline): Uncertain significance (1 of 4 stars; one submission).

Conditions:
Hereditary pancreatitis (PCTT). Also called: Hereditary chronic pancreatitis; PRSS1-Related Hereditary Pancreatitis. Identifiers: Orphanet 676, MedGen C0238339, MONDO:0008185, OMIM 167800.

Submission:

Labcorp Genetics (formerly Invitae), Labcorp
Classification: Uncertain significance for Hereditary pancreatitis. Last evaluated: 2022-11-04. Review status: criteria provided, single submitter. Criteria: Invitae Variant Classification Sherloc (09022015). Collection method: clinical testing. Allele origin: germline.
Comment: In summary, the available evidence is currently insufficient to determine the role of this variant in disease. Therefore, it has been classified as a Variant of Uncertain Significance. Advanced modeling of protein sequence and biophysical properties (such as structural, functional, and spatial information, amino acid conservation, physicochemical variation, residue mobility, and thermodynamic stability) performed at Invitae indicates that this missense variant is not expected to disrupt PRSS1 protein function. This variant has not been reported in the literature in individuals affected with PRSS1-related conditions. This variant is not present in population databases (gnomAD no frequency). This sequence change replaces phenylalanine, which is neutral and non-polar, with serine, which is neutral and polar, at codon 184 of the PRSS1 protein (p.Phe184Ser).